The following is an entry in ClinVar:

ClinVar aggregate classification (germline): Likely benign. Review status: criteria provided, multiple submitters, no conflicts (2 of 4 stars). 2 submissions from 2 submitters: Likely benign (2). Last evaluated 2022-10-19.

Conditions:
FG syndrome (FGS). Identifiers: MedGen C0220769, MONDO:0002010.

Allele frequency attached by ClinVar (database versions not stated): gnomAD exomes below 0.00001 and 0.00001; gnomAD 0.00001; TOPMed 0.00001.
gnomAD v4.1: 3 of 1,181,957 alleles (0.00025%); highest among the groups gnomAD compares: Admixed American, 0.0072%; no homozygotes.

Submissions (2):

Labcorp Genetics (formerly Invitae), Labcorp
Classification: Likely benign for FG syndrome. Last evaluated: 2022-10-19. Review status: criteria provided, single submitter. Criteria: Invitae Variant Classification Sherloc (09022015). Collection method: clinical testing. Allele origin: germline.

GeneDx
Classification: Likely benign. Last evaluated: 2017-12-05. Review status: criteria provided, single submitter. Criteria: GeneDx Variant Classification (06012015). Collection method: clinical testing. Allele origin: germline. Affected: yes.
Comment: This variant is considered likely benign or benign based on one or more of the following criteria: it is a conservative change, it occurs at a poorly conserved position in the protein, it is predicted to be benign by multiple in silico algorithms, and/or has population frequency not consistent with disease.

NM_005120.3(MED12):c.1744+14C>T

Genes: MED12 (mediator complex subunit 12; plus strand), LOC126863275 (BRD4-independent group 4 enhancer GRCh37_chrX:70342400-70343599; plus strand). Cytogenetic location: Xq13.1.
Variant type: single nucleotide variant.
Coding change: c.1744+14C>T on transcript NM_005120.3 (MANE Select); 14 bases into the intron after coding-DNA position 1744, C replaced by T.
Molecular consequence: intron variant.
Genome position (GRCh38, 1-based): chrX:71,123,734, C>T. VCF-style: chrX-71123734-C-T. GRCh37 (hg19) VCF-style: chrX-70343584-C-T.
Identifiers: ClinVar variation 513914 (VCV000513914.9), dbSNP rs1263378137, ClinGen allele CA641914762.